The following is an entry in ClinVar:

ClinVar aggregate classification (germline): Uncertain significance. Review status: criteria provided, multiple submitters, no conflicts (2 of 4 stars). 3 submissions from 3 submitters: Uncertain significance (2). 1 of the submissions does not count toward it. Last evaluated 2025-06-24.

Conditions:
Cognitive impairment - coarse facies - heart defects - obesity - pulmonary involvement - short stature - skeletal dysplasia syndrome. Also called: COGNITIVE IMPAIRMENT, COARSE FACIES, HEART DEFECTS, OBESITY, PULMONARY INVOLVEMENT, SHORT STATURE, AND SKELETAL DYSPLASIA; Chops syndrome; AFF4-Related CHOPS Syndrome. Identifiers: Orphanet 444077, MedGen C4085597, MONDO:0014609, OMIM 616368.
AFF4-related disorder. Also called: AFF4-related condition.
Inborn genetic diseases. Identifiers: MedGen C0950123, MeSH D030342.

Allele frequency attached by ClinVar (database versions not stated): TOPMed 0.00001; gnomAD 0.00002; gnomAD exomes 0.00007.
gnomAD v4.1: 99 of 1,614,054 alleles (0.0061%); highest among the groups gnomAD compares: Non-Finnish European, 0.008%; no homozygotes.

Submissions (3):

Ambry Genetics
Classification: Uncertain significance for Inborn genetic diseases. Last evaluated: 2025-06-24. Review status: criteria provided, single submitter. Criteria: Ambry Variant Classification Scheme 2023. Collection method: clinical testing. Allele origin: germline.

Labcorp Genetics (formerly Invitae), Labcorp
Classification: Uncertain significance for Cognitive impairment - coarse facies - heart defects - obesity - pulmonary involvement - short stature - skeletal dysplasia syndrome. Last evaluated: 2023-10-05. Review status: criteria provided, single submitter. Criteria: Invitae Variant Classification Sherloc (09022015). Collection method: clinical testing. Allele origin: germline.
Comment: This sequence change replaces tyrosine, which is neutral and polar, with cysteine, which is neutral and slightly polar, at codon 156 of the AFF4 protein (p.Tyr156Cys). This variant is present in population databases (no rsID available, gnomAD 0.004%). This variant has not been reported in the literature in individuals affected with AFF4-related conditions. An algorithm developed to predict the effect of missense changes on protein structure and function (PolyPhen-2) suggests that this variant is likely to be disruptive. In summary, the available evidence is currently insufficient to determine the role of this variant in disease. Therefore, it has been classified as a Variant of Uncertain Significance.

PreventionGenetics, part of Exact Sciences
Classification: Uncertain significance for AFF4-related condition. Last evaluated: 2024-07-10. Review status: no assertion criteria provided. Collection method: clinical testing. Allele origin: germline. Not counted in ClinVar's aggregate classification.
Comment: The AFF4 c.467A>G variant is predicted to result in the amino acid substitution p.Tyr156Cys. To our knowledge, this variant has not been reported in the literature. This variant is reported in 0.0040% of alleles in individuals of African descent in gnomAD. At this time, the clinical significance of this variant is uncertain due to the absence of conclusive functional and genetic evidence.

NM_014423.4(AFF4):c.467A>G (p.Tyr156Cys)

Gene: AFF4 (ALF transcription elongation factor 4; minus strand). Cytogenetic location: 5q31.1.
Variant type: single nucleotide variant.
Coding change: c.467A>G on transcript NM_014423.4 (MANE Select); coding-DNA position 467, A replaced by G.
Protein change: p.Tyr156Cys; replaces tyrosine 156 with cysteine.
Molecular consequence: missense variant.
Genome position (GRCh38, 1-based): chr5:132,934,598, T>C on the plus strand (A>G on the coding strand, the complement: AFF4 is on the minus strand). VCF-style: chr5-132934598-T-C. GRCh37 (hg19) VCF-style: chr5-132270290-T-C.
Other names: c.467A>G (NM_014423.3); short protein forms Y156C.
Identifiers: ClinVar variation 2885469 (VCV002885469.5), dbSNP rs1337873803, ClinGen allele CA360961040.
Genomic context (GRCh38, chr5:132,934,598, plus strand): 5'-GATTTGGAGTGTTCTGATCCATGCTGGCCTTTTTTCCGGCTACTGCTCCCACTATTGTTA[T>C]ATGACTCACGGTCGTGCCTCTGACCACTACTGTTAGTGCCACTACTGCTACCTGCGCTGG-3'
Protein context (NP_055238.1, residues 146-166): SSGQRHDRES[Tyr156Cys]NNSGSSSRKK